The following is an entry in ClinVar:

ClinVar aggregate classification (germline): Likely pathogenic (1 of 4 stars; one submission).

Allele frequency attached by ClinVar (database versions not stated): TOPMed below 0.00001.

Submission:

GeneDx
Classification: Likely pathogenic. Last evaluated: 2026-01-05. Review status: criteria provided, single submitter. Criteria: GeneDx Variant Classification Process June 2021. Collection method: clinical testing. Allele origin: germline. Affected: yes.
Comment: Reported in a patient with lobar holoprosencephaly; however, familial segregation information was not included (PMID: 22125506); Published functional studies suggest a damaging effect as RXR-dependent transcription repression by c.778del was decreased (PMID: 16962354); Frameshift variant predicted to result in abnormal protein length as the last 13 amino acids are replaced with 57 different amino acids; Not observed at significant frequency in large population cohorts (gnomAD); This variant is associated with the following publications: (PMID: 22125506, 16962354)

NM_003244.4(TGIF1):c.778del (p.Arg260fs)

Gene: TGIF1 (TGFB induced factor homeobox 1; plus strand). Cytogenetic location: 18p11.31.
Variant type: Deletion.
Coding change: c.778del on transcript NM_003244.4 (MANE Select); coding-DNA position 778, one base deleted (C; older notation c.778delC).
Protein change: p.Arg260fs; shifts the reading frame from arginine 260.
Molecular consequence: frameshift variant.
Genome position (GRCh38, 1-based): chr18:3,457,899, C deleted. VCF-style (leftmost placement, unchanged base first): chr18-3457898-AC-A. GRCh37 (hg19) VCF-style: chr18-3457896-AC-A.
Other names: c.778delC (NM_003244.2); c.778del (NM_003244.2); c.787del, p.Arg263fs (NM_001278682.2); c.778del, p.Arg260fs (NM_001278684.2, NM_173208.3); c.718del, p.Arg240fs (NM_001278686.3, NM_001374396.1, NM_001374397.1 and 5 more transcripts); c.820del, p.Arg274fs (NM_173207.4); short protein forms R260fs, R263fs, R240fs, R274fs.
Identifiers: ClinVar variation 279908 (VCV000279908.3), dbSNP rs886041249, ClinGen allele CA10603338.
Genomic context (GRCh38, chr18:3,457,898, plus strand): 5'-TCCACCGGACCTCAACCAGGACTTCAGTGGATTTCAGCTTCTAGTGGATGTTGCACTCAA[AC>A]GGGCTGCAGAGATGGAGCTTCAGGCAAAACTTACAGCTTAACCCATTTTCAAGCAAAACA-3'